The following is an entry in ClinVar:

NM_000179.3(MSH6):c.4066T>G (p.Leu1356Val)

Gene: MSH6 (mutS homolog 6; plus strand). Cytogenetic location: 2p16.3.
Variant type: single nucleotide variant.
Coding change: c.4066T>G on transcript NM_000179.3 (MANE Select); coding-DNA position 4066, T replaced by G.
Protein change: p.Leu1356Val; replaces leucine 1356 with valine.
Molecular consequence: missense variant.
Genome position (GRCh38, 1-based): chr2:47,806,843, T>G. VCF-style: chr2-47806843-T-G. GRCh37 (hg19) VCF-style: chr2-48033982-T-G.
Other names: c.3676T>G, p.Leu1226Val (NM_001281492.2); c.3160T>G, p.Leu1054Val (NM_001281493.2, NM_001281494.2); short protein forms L1356V, L1054V, L1226V.
Identifiers: ClinVar variation 525870 (VCV000525870.18), dbSNP rs1226221560, ClinGen allele CA346761745.

ClinVar aggregate classification (germline): Conflicting classifications of pathogenicity. Review status: criteria provided, conflicting classifications (1 of 4 stars). 4 submissions from 4 submitters: Uncertain significance (3); Likely benign (1). Last evaluated 2024-11-24.

Conditions:
Hereditary nonpolyposis colorectal neoplasms. Identifiers: MedGen C0009405, MeSH D003123.
Hereditary cancer-predisposing syndrome. Also called: Neoplastic Syndromes, Hereditary; Tumor predisposition; Hereditary Cancer Syndrome; Hereditary neoplastic syndrome. Identifiers: Orphanet 140162, MedGen C0027672, MeSH D009386, MONDO:0015356.
Lynch syndrome. Identifiers: Orphanet 144, MedGen C4552100, MONDO:0005835. Disease mechanism: loss of function.

Allele frequency attached by ClinVar (database versions not stated): gnomAD exomes below 0.00001.
gnomAD v4.1: 1 of 1,611,880 alleles (0.000062%); no homozygotes.

Submissions (4):

Labcorp Genetics (formerly Invitae), Labcorp
Classification: Likely benign for Hereditary nonpolyposis colorectal neoplasms. Last evaluated: 2024-11-24. Review status: criteria provided, single submitter. Criteria: Invitae Variant Classification Sherloc (09022015). Collection method: clinical testing. Allele origin: germline.

All of Us Research Program, National Institutes of Health
Classification: Uncertain significance for Lynch syndrome. Last evaluated: 2024-08-06. Review status: criteria provided, single submitter. Criteria: ACMG Guidelines, 2015. Collection method: clinical testing. Allele origin: germline. Inheritance: Autosomal dominant inheritance. Observed: 1 variant allele, 1 heterozygote.
Comment: This missense variant replaces leucine with valine at codon 1356 of the MSH6 protein. Computational prediction suggests that this variant may not impact protein structure and function (internally defined REVEL score threshold <= 0.5, PMID: 27666373). To our knowledge, functional studies have not been reported for this variant. This variant has not been reported in individuals affected with hereditary cancer in the literature. This variant has been identified in 1/249810 chromosomes in the general population by the Genome Aggregation Database (gnomAD). The available evidence is insufficient to determine the role of this variant in disease conclusively. Therefore, this variant is classified as a Variant of Uncertain Significance.

This study involves interpretation of variants in research participants for the purpose of population health screening. Participant phenotype was not available at the time of variant classification. Additional details can be found in publication PMID: 35346344, PMCID: PMC8962531

Ambry Genetics
Classification: Uncertain significance for Hereditary cancer-predisposing syndrome. Last evaluated: 2024-05-29. Review status: criteria provided, single submitter. Criteria: Ambry Variant Classification Scheme 2023. Collection method: clinical testing. Allele origin: germline.
Comment: The p.L1356V variant (also known as c.4066T>G), located in coding exon 10 of the MSH6 gene, results from a T to G substitution at nucleotide position 4066. The leucine at codon 1356 is replaced by valine, an amino acid with highly similar properties. This amino acid position is conserved. In addition, the in silico prediction for this alteration is inconclusive. Based on the available evidence, the clinical significance of this variant remains unclear.

Color Diagnostics, LLC DBA Color Health
Classification: Uncertain significance for Hereditary cancer-predisposing syndrome. Last evaluated: 2024-03-06. Review status: criteria provided, single submitter. Criteria: ACMG Guidelines, 2015. Collection method: clinical testing. Allele origin: germline.
Comment: This missense variant replaces leucine with valine at codon 1356 of the MSH6 protein. Computational prediction suggests that this variant may not impact protein structure and function (internally defined REVEL score threshold <= 0.5, PMID: 27666373). To our knowledge, functional studies have not been reported for this variant. This variant has not been reported in individuals affected with hereditary cancer in the literature. This variant has been identified in 1/249810 chromosomes in the general population by the Genome Aggregation Database (gnomAD). The available evidence is insufficient to determine the role of this variant in disease conclusively. Therefore, this variant is classified as a Variant of Uncertain Significance.